The following is an entry in ClinVar:

NM_000090.4(COL3A1):c.198A>G (p.Ile66Met)

Gene: COL3A1 (collagen type III alpha 1 chain; plus strand). Cytogenetic location: 2q32.2.
Variant type: single nucleotide variant.
Coding change: c.198A>G on transcript NM_000090.4 (MANE Select); coding-DNA position 198, A replaced by G.
Protein change: p.Ile66Met; replaces isoleucine 66 with methionine.
Molecular consequence: missense variant.
Genome position (GRCh38, 1-based): chr2:188,984,878, A>G. VCF-style: chr2-188984878-A-G. GRCh37 (hg19) VCF-style: chr2-189849604-A-G.
Other names: p.Ile66Met; short protein forms I66M.
Identifiers: ClinVar variation 263619 (VCV000263619.30), dbSNP rs372269408, ClinGen allele CA074891.

ClinVar aggregate classification (germline): Conflicting classifications of pathogenicity. Review status: criteria provided, conflicting classifications (1 of 4 stars). 7 submissions from 7 submitters: Uncertain significance (6); Benign (1). Last evaluated 2026-07-26.

Conditions:
Familial thoracic aortic aneurysm and aortic dissection (TAAD). Also called: Thoracic aortic aneurysms and dissections. Identifiers: Orphanet 91387, MedGen C4707243, MONDO:0019625.
Ehlers-Danlos syndrome, type 4 (EDSVASC). Also called: Ehlers-Danlos syndrome vascular type; Ehlers Danlos syndrome, ecchymotic type; Ehlers Danlos syndrome, arterial type; Ehlers Danlos syndrome, Sack-Barabas type; Ehlers-Danlos Syndrome Type IV. Identifiers: Orphanet 286, MedGen C0268338, MONDO:0017314, OMIM 130050.

Allele frequency attached by ClinVar (database versions not stated): gnomAD 0.00001; TOPMed 0.00001; ExAC 0.00002; ESP Exome Variant Server 0.00008.
gnomAD v4.1: 133 of 1,613,138 alleles (0.0082%); highest among the groups gnomAD compares: Non-Finnish European, 0.011%; no homozygotes.

Submissions (7):

GeneDx
Classification: Uncertain significance. Last evaluated: 2026-07-26. Review status: criteria provided, single submitter. Criteria: GeneDx Variant Classification Process June 2021. Collection method: clinical testing. Allele origin: germline.
Comment: Identified in an individual with hypermobility and coronary artery dissection who also harbors the COL5A2 p.(K743T) variant (PMID: 27011056); Reported as an additional variant present in a positive control sample harboring a pathogenic FBN1 nonsense variant; clinical information for the individual was not provided (PMID: 23148498); In silico analysis suggests that this missense variant does not alter protein structure/function; Not located in the triple helical region, where the majority of pathogenic missense variants occur (HGMD); This variant is associated with the following publications: (PMID: 23148498, 27011056)

Labcorp Genetics (formerly Invitae), Labcorp
Classification: Uncertain significance for Ehlers-Danlos syndrome, type 4. Last evaluated: 2026-01-27. Review status: criteria provided, single submitter. Criteria: Invitae Variant Classification Sherloc (09022015). Collection method: clinical testing. Allele origin: germline.
Comment: This sequence change replaces isoleucine, which is neutral and non-polar, with methionine, which is neutral and non-polar, at codon 66 of the COL3A1 protein (p.Ile66Met). This variant is present in population databases (rs372269408, gnomAD 0.006%). This missense change has been observed in individual(s) with clinical features of Ehlers-Danlos syndrome (PMID: 27011056). ClinVar contains an entry for this variant (Variation ID: 263619). Invitae Evidence Modeling of protein sequence and biophysical properties (such as structural, functional, and spatial information, amino acid conservation, physicochemical variation, residue mobility, and thermodynamic stability) indicates that this missense variant is not expected to disrupt COL3A1 protein function with a negative predictive value of 95%. In summary, the available evidence is currently insufficient to determine the role of this variant in disease. Therefore, it has been classified as a Variant of Uncertain Significance.

Women's Health and Genetics/Laboratory Corporation of America, LabCorp
Classification: Uncertain significance. Last evaluated: 2025-12-23. Review status: criteria provided, single submitter. Criteria: LabCorp Variant Classification Summary - May 2015. Collection method: clinical testing. Allele origin: germline.
Comment: Variant summary: COL3A1 c.198A>G (p.Ile66Met) results in a conservative amino acid change located in the VWFC domain (IPR001007) of the encoded protein sequence. Algorithms developed to predict the effect of missense changes on protein structure and function are either unavailable or do not agree on the potential impact of this missense change. The variant allele was found at a frequency of 2.8e-05 in 250798 control chromosomes. The available data on variant occurrences in the general population are insufficient to allow any conclusion about variant significance. c.198A>G has been reported in the literature in the heterozygous state in 2 individuals affected with Ehlers-Danlos syndrome and/or Aortopathy (example, Weerakkody_2016, Wooderchak-Donahue_2012). These report(s) do not provide unequivocal conclusions about association of the variant with COL3A1-related conditions. Co-occurrences with other pathogenic variant(s) have been reported (FBN1 c.1585C>T, p.R529X), providing supporting evidence for a benign role. To our knowledge, no experimental evidence demonstrating an impact on protein function has been reported. The following publications have been ascertained in the context of this evaluation (PMID: 27011056, 23148498). ClinVar contains an entry for this variant (Variation ID: 263619). Based on the evidence outlined above, the variant was classified as uncertain significance.

Ambry Genetics
Classification: Benign for Familial thoracic aortic aneurysm and aortic dissection. Last evaluated: 2025-12-11. Review status: criteria provided, single submitter. Criteria: Ambry Variant Classification Scheme 2023. Collection method: clinical testing. Allele origin: germline.

Color Diagnostics, LLC DBA Color Health
Classification: Uncertain significance for Familial thoracic aortic aneurysm and aortic dissection. Last evaluated: 2024-10-29. Review status: criteria provided, single submitter. Criteria: ACMG Guidelines, 2015. Collection method: clinical testing. Allele origin: germline.
Comment: This missense variant replaces isoleucine with methionine at codon 66 of the COL3A1 protein. Computational prediction suggests that this variant may not impact protein structure and function. To our knowledge, functional studies have not been reported for this variant. This variant has been reported in an individual affected with Ehlers-Danlos syndrome hypermobility type or benign joint hypermobility syndrome (PMID: 27011056). This variant has been identified in 7/250798 chromosomes in the general population by the Genome Aggregation Database (gnomAD). The available evidence is insufficient to determine the role of this variant in disease conclusively. Therefore, this variant is classified as a Variant of Uncertain Significance.

All of Us Research Program, National Institutes of Health
Classification: Uncertain significance for Ehlers-Danlos syndrome, type 4. Last evaluated: 2023-11-02. Review status: criteria provided, single submitter. Criteria: ACMG Guidelines, 2015. Collection method: clinical testing. Allele origin: germline. Inheritance: Autosomal dominant inheritance. Observed: 5 variant alleles, 5 heterozygotes.
Comment: This missense variant replaces isoleucine with methionine at codon 66 of the COL3A1 protein. Computational prediction suggests that this variant may not impact protein structure and function (internally defined REVEL score threshold <= 0.5, PMID: 27666373). To our knowledge, functional studies have not been reported for this variant. This variant has been reported in one individual affected with Ehlers-Danlos syndrome hypermobility type or benign joint hypermobility syndrome (PMID: 27011056). This variant has been identified in 7/250798 chromosomes in the general population by the Genome Aggregation Database (gnomAD). The available evidence is insufficient to determine the role of this variant in disease conclusively. Therefore, this variant is classified as a Variant of Uncertain Significance.

This study involves interpretation of variants in research participants for the purpose of population health screening. Participant phenotype was not available at the time of variant classification. Additional details can be found in publication PMID: 35346344, PMCID: PMC8962531

Mayo Clinic Laboratories, Mayo Clinic
Classification: Uncertain significance. Last evaluated: 2022-05-19. Review status: criteria provided, single submitter. Criteria: ACMG Guidelines, 2015. Collection method: clinical testing. Allele origin: germline. Observed: 1 variant allele.
Comment: BP4, PP2

Literature cited by the submitters: PubMed 27011056 (cited by 4 submitters); PubMed 23148498 (cited by Women's Health and Genetics/Laboratory Corporation of America, LabCorp and Ambry Genetics).